The following is an entry in ClinVar:

ClinVar aggregate classification (germline): Uncertain significance. Review status: criteria provided, multiple submitters, no conflicts (2 of 4 stars). 2 submissions from 2 submitters: Uncertain significance (2). Last evaluated 2023-03-17.

Conditions:
Inborn genetic diseases. Identifiers: MedGen C0950123, MeSH D030342.

Allele frequency attached by ClinVar (database versions not stated): gnomAD exomes below 0.00001; TOPMed below 0.00001.
gnomAD v4.1: 1 of 1,608,482 alleles (0.000062%); highest among the groups gnomAD compares: East Asian, 0.0022%; no homozygotes.

Submissions (2):

Ambry Genetics
Classification: Uncertain significance for Inborn genetic diseases. Last evaluated: 2023-03-17. Review status: criteria provided, single submitter. Criteria: Ambry Variant Classification Scheme 2023. Collection method: clinical testing. Allele origin: germline.

Labcorp Genetics (formerly Invitae), Labcorp
Classification: Uncertain significance. Last evaluated: 2022-08-19. Review status: criteria provided, single submitter. Criteria: Invitae Variant Classification Sherloc (09022015). Collection method: clinical testing. Allele origin: germline.
Comment: In summary, the available evidence is currently insufficient to determine the role of this variant in disease. Therefore, it has been classified as a Variant of Uncertain Significance. Algorithms developed to predict the effect of missense changes on protein structure and function (SIFT, PolyPhen-2, Align-GVGD) all suggest that this variant is likely to be tolerated. This variant has not been reported in the literature in individuals affected with RHOBTB2-related conditions. This variant is present in population databases (no rsID available, gnomAD 0.006%). This sequence change replaces histidine, which is basic and polar, with tyrosine, which is neutral and polar, at codon 348 of the RHOBTB2 protein (p.His348Tyr).

NM_015178.3(RHOBTB2):c.976C>T (p.His326Tyr)

Gene: RHOBTB2 (Rho related BTB domain containing 2; plus strand). Cytogenetic location: 8p21.3.
Variant type: single nucleotide variant.
Coding change: c.976C>T on transcript NM_015178.3 (MANE Select); coding-DNA position 976, C replaced by T.
Protein change: p.His326Tyr; replaces histidine 326 with tyrosine.
Molecular consequence: missense variant.
Genome position (GRCh38, 1-based): chr8:23,007,221, C>T. VCF-style: chr8-23007221-C-T. GRCh37 (hg19) VCF-style: chr8-22864734-C-T.
Other names: c.1042C>T (NM_001160036.1); c.1042C>T, p.His348Tyr (NM_001160036.2); c.997C>T, p.His333Tyr (NM_001160037.2); c.976C>T, p.His326Tyr (NM_001374791.1); short protein forms H326Y, H348Y, H333Y.
Identifiers: ClinVar variation 2112441 (VCV002112441.6), dbSNP rs1339416326, ClinGen allele CA370566882.